The following is an entry in ClinVar:

ClinVar aggregate classification (germline): Uncertain significance. Review status: criteria provided, multiple submitters, no conflicts (2 of 4 stars). 2 submissions from 2 submitters: Uncertain significance (2). Last evaluated 2025-03-05.

Conditions:
Hereditary cancer-predisposing syndrome. Also called: Tumor predisposition; Hereditary Cancer Syndrome; Neoplastic Syndromes, Hereditary; Hereditary neoplastic syndrome. Identifiers: Orphanet 140162, MedGen C0027672, MeSH D009386, MONDO:0015356.

Allele frequency attached by ClinVar (database versions not stated): gnomAD exomes below 0.00001; TOPMed below 0.00001; gnomAD 0.00001; 1000 Genomes Project 30x 0.00016; 1000 Genomes Project 0.00020.
gnomAD v4.1: 2 of 1,613,612 alleles (0.00012%); highest among the groups gnomAD compares: Non-Finnish European, 0.00017%; no homozygotes.

Submissions (2):

Labcorp Genetics (formerly Invitae), Labcorp
Classification: Uncertain significance. Last evaluated: 2025-03-05. Review status: criteria provided, single submitter. Criteria: Invitae Variant Classification Sherloc (09022015). Collection method: clinical testing. Allele origin: germline.
Comment: This sequence change replaces glycine, which is neutral and non-polar, with arginine, which is basic and polar, at codon 854 of the POLE protein (p.Gly854Arg). This variant is not present in population databases (gnomAD no frequency). This variant has not been reported in the literature in individuals affected with POLE-related conditions. ClinVar contains an entry for this variant (Variation ID: 1793111). An algorithm developed to predict the effect of missense changes on protein structure and function (PolyPhen-2) suggests that this variant is likely to be disruptive. In summary, the available evidence is currently insufficient to determine the role of this variant in disease. Therefore, it has been classified as a Variant of Uncertain Significance.

Ambry Genetics
Classification: Uncertain significance for Hereditary cancer-predisposing syndrome. Last evaluated: 2024-05-29. Review status: criteria provided, single submitter. Criteria: Ambry Variant Classification Scheme 2023. Collection method: clinical testing. Allele origin: germline.
Comment: The p.G854R variant (also known as c.2560G>A), located in coding exon 22 of the POLE gene, results from a G to A substitution at nucleotide position 2560. The glycine at codon 854 is replaced by arginine, an amino acid with dissimilar properties. This amino acid position is conserved. In addition, this alteration is predicted to be deleterious by in silico analysis. Since supporting evidence is limited at this time, the clinical significance of this alteration remains unclear.

NM_006231.4(POLE):c.2560G>A (p.Gly854Arg)

Gene: POLE (DNA polymerase epsilon, catalytic subunit; minus strand). Cytogenetic location: 12q24.33.
Variant type: single nucleotide variant.
Coding change: c.2560G>A on transcript NM_006231.4 (MANE Select); coding-DNA position 2560, G replaced by A.
Protein change: p.Gly854Arg; replaces glycine 854 with arginine.
Molecular consequence: missense variant.
Genome position (GRCh38, 1-based): chr12:132,664,371, C>T on the plus strand (G>A on the coding strand, the complement: POLE is on the minus strand). VCF-style: chr12-132664371-C-T. GRCh37 (hg19) VCF-style: chr12-133240957-C-T.
Other names: short protein forms G854R.
Identifiers: ClinVar variation 1793111 (VCV001793111.4), dbSNP rs200179156, ClinGen allele CA246318810.
Genomic context (GRCh38, chr12:132,664,371, plus strand): 5'-CTGCCCATGCTTGCCCCCAGGACCTGCTCCCAGCCCCACGGCTCCCCTTCTGCACTCACC[C>T]AATCTGCTCGATCAGCTCCCGTGCCTGGGTGATGATGTTGGCCCCTGTGAAGCAGACGAT-3'
Protein context (NP_006222.2, residues 844-864): TQARELIEQI[Gly854Arg]RPLELDTDGI